The following is an entry in ClinVar:

NM_001256317.3(TMPRSS3):c.616+1G>T

Gene: TMPRSS3 (transmembrane serine protease 3; minus strand). Cytogenetic location: 21q22.3.
Variant type: single nucleotide variant.
Coding change: c.616+1G>T on transcript NM_001256317.3 (MANE Select); the canonical splice donor site of the intron after coding-DNA position 616, G replaced by T.
Molecular consequence: splice donor variant.
Genome position (GRCh38, 1-based): chr21:42,383,969, C>A on the plus strand (G>T on the coding strand, the complement: TMPRSS3 is on the minus strand). VCF-style: chr21-42383969-C-A. GRCh37 (hg19) VCF-style: chr21-43804078-C-A.
Other names: c.616+1G>T (NM_024022.4, NM_032405.2); c.235+1G>T (NM_032404.3).
Identifiers: ClinVar variation 2699900 (VCV002699900.3), dbSNP rs1158562606, ClinGen allele CA410374095.

ClinVar aggregate classification (germline): Likely pathogenic (1 of 4 stars; one submission).

Submission:

Labcorp Genetics (formerly Invitae), Labcorp
Classification: Likely pathogenic. Last evaluated: 2023-12-01. Review status: criteria provided, single submitter. Criteria: Invitae Variant Classification Sherloc (09022015). Collection method: clinical testing. Allele origin: germline.
Comment: This sequence change affects a donor splice site in intron 7 of the TMPRSS3 gene. It is expected to disrupt RNA splicing. Variants that disrupt the donor or acceptor splice site typically lead to a loss of protein function (PMID: 16199547), and loss-of-function variants in TMPRSS3 are known to be pathogenic (PMID: 16021470, 26969326). This variant is not present in population databases (gnomAD no frequency). This variant has not been reported in the literature in individuals affected with TMPRSS3-related conditions. Algorithms developed to predict the effect of sequence changes on RNA splicing suggest that this variant may disrupt the consensus splice site. In summary, the currently available evidence indicates that the variant is pathogenic, but additional data are needed to prove that conclusively. Therefore, this variant has been classified as Likely Pathogenic.

Literature cited by the submitters: PubMed 16199547; PubMed 16021470; PubMed 26969326.